The following is an entry in ClinVar:

ClinVar aggregate classification (germline): Conflicting classifications of pathogenicity. Review status: criteria provided, conflicting classifications (1 of 4 stars). 3 submissions from 3 submitters: Uncertain significance (1); Benign (1). 1 of the submissions does not count toward it. Last evaluated 2025-12-24.

Conditions:
Renal tubular dysgenesis. Also called: Renotubular dysgenesis. Identifiers: Orphanet 3033, MedGen C0266313, MONDO:0017609, HP:0008660.
ACE-related disorder. Also called: ACE-related condition; ACE-related disorders.

Allele frequency attached by ClinVar (database versions not stated): gnomAD exomes 0.00020 and 0.00038; gnomAD 0.00022 and 0.00023; ESP Exome Variant Server 0.00023; TOPMed 0.00029; ExAC 0.00034.

Submissions (3):

Labcorp Genetics (formerly Invitae), Labcorp
Classification: Benign. Last evaluated: 2025-12-24. Review status: criteria provided, single submitter. Criteria: Invitae Variant Classification Sherloc (09022015). Collection method: clinical testing. Allele origin: germline.

Illumina Laboratory Services, Illumina
Classification: Uncertain significance for Renal tubular dysgenesis of genetic origin. Last evaluated: 2018-01-13. Review status: criteria provided, single submitter. Criteria: ICSL Variant Classification Criteria 13 December 2019. Collection method: clinical testing. Allele origin: germline.

PreventionGenetics, part of Exact Sciences
Classification: Benign for ACE-related condition. Last evaluated: 2019-09-26. Review status: no assertion criteria provided. Collection method: clinical testing. Allele origin: germline. Not counted in ClinVar's aggregate classification.
Comment: This variant is classified as benign based on ACMG/AMP sequence variant interpretation guidelines (Richards et al. 2015 PMID: 25741868, with internal and published modifications).

NM_000789.4(ACE):c.3721G>A (p.Gly1241Ser)

Gene: ACE (angiotensin I converting enzyme; plus strand). Cytogenetic location: 17q23.3.
Variant type: single nucleotide variant.
Coding change: c.3721G>A on transcript NM_000789.4 (MANE Select); coding-DNA position 3721, G replaced by A.
Protein change: p.Gly1241Ser; replaces glycine 1241 with serine.
Molecular consequence: missense variant.
Genome position (GRCh38, 1-based): chr17:63,497,166, G>A. VCF-style: chr17-63497166-G-A. GRCh37 (hg19) VCF-style: chr17-61574527-G-A.
Other names: c.1876G>A, p.Gly626Ser (NM_001178057.2); c.1999G>A, p.Gly667Ser (NM_152830.3); short protein forms G1241S, G667S, G626S.
Identifiers: ClinVar variation 324418 (VCV000324418.12), dbSNP rs367916721, ClinGen allele CA8700647.